The following is an entry in ClinVar:

NM_015450.3(POT1):c.1319A>G (p.Lys440Arg)

Gene: POT1 (protection of telomeres 1; minus strand). Cytogenetic location: 7q31.33.
Variant type: single nucleotide variant.
Coding change: c.1319A>G on transcript NM_015450.3 (MANE Select); coding-DNA position 1319, A replaced by G.
Protein change: p.Lys440Arg; replaces lysine 440 with arginine.
Molecular consequence: missense variant. On other transcripts: non-coding transcript variant (3).
Genome position (GRCh38, 1-based): chr7:124,841,023, T>C on the plus strand (A>G on the coding strand, the complement: POT1 is on the minus strand). VCF-style: chr7-124841023-T-C. GRCh37 (hg19) VCF-style: chr7-124481077-T-C.
Other names: c.926A>G, p.Lys309Arg (NM_001042594.2); short protein forms K440R, K309R.
Identifiers: ClinVar variation 1769841 (VCV001769841.3), dbSNP rs2485394345, ClinGen allele CA369066882.

ClinVar aggregate classification (germline): Uncertain significance. Review status: criteria provided, multiple submitters, no conflicts (2 of 4 stars). 2 submissions from 2 submitters: Uncertain significance (2). Last evaluated 2025-10-23.

Conditions:
Tumor predisposition syndrome 3 (TPDS3). Also called: Melanoma, cutaneous malignant, susceptibility to, 10; Glioma susceptibility 9; LONG TELOMERE SYNDROME, POT1-RELATED; POT1 Tumor Predisposition. Identifiers: Orphanet 618, MedGen C4014476, MONDO:0014368, OMIM 615848.
Hereditary cancer-predisposing syndrome. Also called: Hereditary Cancer Syndrome; Hereditary neoplastic syndrome; Neoplastic Syndromes, Hereditary; Tumor predisposition. Identifiers: Orphanet 140162, MedGen C0027672, MeSH D009386, MONDO:0015356.

Submissions (2):

Labcorp Genetics (formerly Invitae), Labcorp
Classification: Uncertain significance for Tumor predisposition syndrome 3. Last evaluated: 2025-10-23. Review status: criteria provided, single submitter. Criteria: Invitae Variant Classification Sherloc (09022015). Collection method: clinical testing. Allele origin: germline.
Comment: This sequence change replaces lysine, which is basic and polar, with arginine, which is basic and polar, at codon 440 of the POT1 protein (p.Lys440Arg). This variant is not present in population databases (gnomAD no frequency). This variant has not been reported in the literature in individuals affected with POT1-related conditions. ClinVar contains an entry for this variant (Variation ID: 1769841). Invitae Evidence Modeling of protein sequence and biophysical properties (such as structural, functional, and spatial information, amino acid conservation, physicochemical variation, residue mobility, and thermodynamic stability) indicates that this missense variant is not expected to disrupt POT1 protein function with a negative predictive value of 80%. In summary, the available evidence is currently insufficient to determine the role of this variant in disease. Therefore, it has been classified as a Variant of Uncertain Significance.

Ambry Genetics
Classification: Uncertain significance for Hereditary cancer-predisposing syndrome. Last evaluated: 2022-05-16. Review status: criteria provided, single submitter. Criteria: Ambry Variant Classification Scheme 2023. Collection method: clinical testing. Allele origin: germline.
Comment: The p.K440R variant (also known as c.1319A>G), located in coding exon 10 of the POT1 gene, results from an A to G substitution at nucleotide position 1319. The lysine at codon 440 is replaced by arginine, an amino acid with highly similar properties. This amino acid position is conserved. In addition, this alteration is predicted to be tolerated by in silico analysis. Since supporting evidence is limited at this time, the clinical significance of this alteration remains unclear.